The following is an entry in ClinVar:

ClinVar aggregate classification (germline): Pathogenic. Review status: criteria provided, multiple submitters, no conflicts (2 of 4 stars). 12 submissions from 12 submitters: Pathogenic (9). 3 of the submissions do not count toward it. Last evaluated 2025-08-19.

Conditions:
Metachromatic leukodystrophy (MLD). Also called: ARSA DEFICIENCY; CEREBROSIDE SULFATASE DEFICIENCY; SULFATIDE LIPIDOSIS; Cerebral sclerosis diffuse metachromatic form; Arylsulfatase A Deficiency; METACHROMATIC LEUKOENCEPHALOPATHY. Identifiers: Orphanet 512, MedGen C0023522, MONDO:0018868, OMIM 250100.

Allele frequency attached by ClinVar (database versions not stated): gnomAD 0.00002 and 0.00003; TOPMed 0.00002.
gnomAD v4.1: 14 of 1,591,848 alleles (0.00088%); highest among the groups gnomAD compares: South Asian, 0.0034%; no homozygotes.

Submissions (12):

Natera, Inc.
Classification: Pathogenic for Metachromatic leukodystrophy. Last evaluated: 2025-08-19. Review status: criteria provided, single submitter. Criteria: Natera Variant Classification Schema (03/2026). Collection method: clinical testing. Allele origin: germline.
Comment: The c.346C>T variant in ARSA is a nonsense variant predicted to introduce a stop codon at amino acid 116. This variant is expected to result in nonsense mediated decay, truncation, or a dysfunctional protein product. This variant is rare in the general population with a frequency below the threshold expected for the associated phenotype(s). This variant has been observed in one or more individuals affected with the associated recessive disease, as either homozygous or compound heterozygous with a second variant (PMID: 19021637). Given the available evidence, this variant is classified as Pathogenic.

Labcorp Genetics (formerly Invitae), Labcorp
Classification: Pathogenic for Metachromatic leukodystrophy. Last evaluated: 2023-09-04. Review status: criteria provided, single submitter. Criteria: Invitae Variant Classification Sherloc (09022015). Collection method: clinical testing. Allele origin: germline.
Comment: This sequence change creates a premature translational stop signal (p.Arg116*) in the ARSA gene. It is expected to result in an absent or disrupted protein product. Loss-of-function variants in ARSA are known to be pathogenic (PMID: 8962139, 10477432). The frequency data for this variant in the population databases is considered unreliable, as metrics indicate poor data quality at this position in the gnomAD database. This premature translational stop signal has been observed in individual(s) with metachromatic leukodystrophy (PMID: 19021637). This variant is also known as p.Arg114*. ClinVar contains an entry for this variant (Variation ID: 280950). For these reasons, this variant has been classified as Pathogenic.

Foundation for Research in Genetics and Endocrinology, FRIGE's Institute of Human Genetics
Classification: Pathogenic for Metachromatic leukodystrophy. Last evaluated: 2023-03-18. Review status: criteria provided, single submitter. Criteria: ACMG Guidelines, 2015. Collection method: clinical testing. Allele origin: germline. Inheritance: Autosomal recessive inheritance. Affected: yes. Observed: 1 homozygote.
Comment: A homozygous nonsense variant in exon 2 of the ARSA gene that results in a stop codon and premature truncation of the protein at codon 116 (p.Arg116Ter) was detected. This variant has not been reported in the 1000 genomes and has a MAF of 0.001% in the gnomAD database. The in-silico predictions of the variant is damaging by MutationTaster2. In summary the variant meets our criteria to be classified as pathogenic

CeGaT Center for Human Genetics Tuebingen
Classification: Pathogenic. Last evaluated: 2022-01-01. Review status: criteria provided, single submitter. Criteria: CeGaT Center For Human Genetics Tuebingen Variant Classification Criteria Version 2. Collection method: clinical testing. Allele origin: germline. Affected: yes. Observed: 1 variant allele.

Revvity Omics, Revvity
Classification: Pathogenic for Metachromatic leukodystrophy. Last evaluated: 2021-07-15. Review status: criteria provided, single submitter. Criteria: ACMG Guidelines, 2015. Collection method: clinical testing. Allele origin: germline.

Women's Health and Genetics/Laboratory Corporation of America, LabCorp
Classification: Pathogenic for Metachromatic leukodystrophy. Last evaluated: 2019-11-18. Review status: criteria provided, single submitter. Criteria: LabCorp Variant Classification Summary - May 2015. Collection method: clinical testing. Allele origin: germline.
Comment: Variant summary: ARSA c.346C>T (p.Arg116X) results in a premature termination codon, predicted to cause a truncation of the encoded protein or absence of the protein due to nonsense mediated decay, which are commonly known mechanisms for disease. The variant allele was found at a frequency of 9.9e-06 in 201088 control chromosomes (gnomAD). c.346C>T has been reported in the literature in multiple individuals affected with Metachromatic Leukodystrophy (e.g. Hettiarachchi_2019, Lugowska_2009, Tan_2010). These data indicate that the variant is very likely to be associated with disease. Protein activity in patients with the variant was determined to be considerably reduced compared to normal controls (Lugowska_2009, Tan_2010). A ClinVar submitter (evaluation after 2014) cites the variant as pathogenic. Based on the evidence outlined above, the variant was classified as pathogenic.

Eurofins Ntd Llc (ga)
Classification: Pathogenic. Last evaluated: 2016-01-19. Review status: criteria provided, single submitter. Criteria: EGL Classification Definitions 2015. Collection method: clinical testing. Allele origin: germline. Observed: 2 variant alleles, 2 heterozygotes.

Medical Molecular Genetics Department, National Research Center
Classification: Pathogenic for Metachromatic leukodystrophy. Review status: criteria provided, single submitter. Criteria: ACMG Guidelines, 2015. Collection method: clinical testing. Allele origin: inherited. Affected: yes.

Neuberg Centre For Genomic Medicine, NCGM
Classification: Pathogenic for Metachromatic leukodystrophy. Review status: criteria provided, single submitter. Criteria: ACMG Guidelines, 2015. Collection method: clinical testing. Allele origin: germline. Inheritance: Autosomal recessive inheritance. Affected: yes.
Comment: The stop gained c.346C>Tp.Arg116Ter variant in ARSA gene has been reported in individuals affected with metachromatic leukodystrophy Hettiarachchi D, et. al., 2019. The p.Arg116Ter variant has been reported with allele frequency of 0.001% in gnomAD Exomes and is novel not in any individuals in 1000 Genomes database. This variant has been reported to the ClinVar database as Likey pathogenic/ Pathogenic multiple submissions. The nucleotide change c.346C>T in ARSA is predicted as conserved by GERP++ and PhyloP across 100 vertebrates. Loss of function variants have been previously reported to be disease causing. For these reasons, this variant has been classified as Pathogenic.

Counsyl
Classification: Likely pathogenic for Metachromatic leukodystrophy. Last evaluated: 2015-04-14. Review status: no assertion criteria provided. Collection method: clinical testing. Allele origin: unknown. Not counted in ClinVar's aggregate classification.

Genome Diagnostics Laboratory, University Medical Center Utrecht
Classification: Pathogenic. Review status: no assertion criteria provided. Collection method: clinical testing. Allele origin: germline. Affected: yes. Study: VKGL Data-share Consensus. Not counted in ClinVar's aggregate classification.

Laboratory of Diagnostic Genome Analysis, Leiden University Medical Center (LUMC)
Classification: Pathogenic. Review status: no assertion criteria provided. Collection method: clinical testing. Allele origin: germline. Affected: yes. Study: VKGL Data-share Consensus. Not counted in ClinVar's aggregate classification.

Literature cited by the submitters: PubMed 19021637 (cited by 4 submitters); PubMed 8962139 (cited by Labcorp Genetics (formerly Invitae), Labcorp); PubMed 10477432 (cited by Labcorp Genetics (formerly Invitae), Labcorp); PubMed 20339381 (cited by Women's Health and Genetics/Laboratory Corporation of America, LabCorp); PubMed 31694723 (cited by Women's Health and Genetics/Laboratory Corporation of America, LabCorp); PubMed 19815439 (cited by Women's Health and Genetics/Laboratory Corporation of America, LabCorp and Counsyl).

NM_000487.6(ARSA):c.346C>T (p.Arg116Ter)

Gene: ARSA (arylsulfatase A; minus strand). Cytogenetic location: 22q13.33.
Variant type: single nucleotide variant.
Coding change: c.346C>T on transcript NM_000487.6 (MANE Select); coding-DNA position 346, C replaced by T.
Protein change: p.Arg116Ter; replaces arginine 116 with a stop codon.
Molecular consequence: nonsense.
Genome position (GRCh38, 1-based): chr22:50,627,285, G>A on the plus strand (C>T on the coding strand, the complement: ARSA is on the minus strand). VCF-style: chr22-50627285-G-A. GRCh37 (hg19) VCF-style: chr22-51065713-G-A.
Other names: p.Arg116Ter; c.346C>T, p.Arg116Ter (NM_001085425.3, NM_001085426.3, NM_001085427.3); c.88C>T, p.Arg30Ter (NM_001085428.3, NM_001362782.2); short protein forms R116*, R30*.
Identifiers: ClinVar variation 280950 (VCV000280950.61), dbSNP rs761860059, ClinGen allele CA10603751.
Genomic context (GRCh38, chr22:50,627,285, plus strand): 5'-AGGCCCCCTCAGGCCCCACCCCAAGGTGCCACTTGCCGGCCATTCCTGTGAGGTAGCCTC[G>A]GGCAGCCAGGACTTCGGCCACGGTCACCTCCTCCAGGGGCAGGCCCCCCCGGGAGCTGGG-3'